The following is an entry in ClinVar:

NM_182961.4(SYNE1):c.15497C>T (p.Ala5166Val)

Gene: SYNE1 (spectrin repeat containing nuclear envelope protein 1; minus strand). Cytogenetic location: 6q25.2.
Variant type: single nucleotide variant.
Coding change: c.15497C>T on transcript NM_182961.4 (MANE Select); coding-DNA position 15497, C replaced by T.
Protein change: p.Ala5166Val; replaces alanine 5166 with valine.
Molecular consequence: missense variant.
Genome position (GRCh38, 1-based): chr6:152,325,244, G>A on the plus strand (C>T on the coding strand, the complement: SYNE1 is on the minus strand). VCF-style: chr6-152325244-G-A. GRCh37 (hg19) VCF-style: chr6-152646379-G-A.
Other names: c.15284C>T, p.Ala5095Val (NM_033071.5); short protein forms A5166V, A5095V.
Identifiers: ClinVar variation 1477389 (VCV001477389.8), dbSNP rs2153949505, ClinGen allele CA366091240.

ClinVar aggregate classification (germline): Uncertain significance (1 of 4 stars; one submission).

Conditions:
Autosomal recessive ataxia, Beauce type. Also called: SYNE1-Related Autosomal Recessive Cerebellar Ataxia; Spinocerebellar ataxia, autosomal recessive 8; ATAXIA, RECESSIVE, OF BEAUCE; SYNE1 Deficiency. Identifiers: Orphanet 88644, MedGen C1853116, MONDO:0012549, OMIM 610743.
Emery-Dreifuss muscular dystrophy 4, autosomal dominant (EDMD4). Also called: EMERY-DREIFUSS MUSCULAR DYSTROPHY 4 WITH VARIABLE FEATURES. Identifiers: Orphanet 261, MedGen C2751807, MONDO:0013071, OMIM 612998.

Submission:

Labcorp Genetics (formerly Invitae), Labcorp
Classification: Uncertain significance for Emery-Dreifuss muscular dystrophy 4, autosomal dominant; Autosomal recessive ataxia, Beauce type. Last evaluated: 2022-07-26. Review status: criteria provided, single submitter. Criteria: Invitae Variant Classification Sherloc (09022015). Collection method: clinical testing. Allele origin: germline.
Comment: Algorithms developed to predict the effect of missense changes on protein structure and function (SIFT, PolyPhen-2, Align-GVGD) all suggest that this variant is likely to be tolerated. ClinVar contains an entry for this variant (Variation ID: 1477389). This variant has not been reported in the literature in individuals affected with SYNE1-related conditions. This variant is not present in population databases (gnomAD no frequency). This sequence change replaces alanine, which is neutral and non-polar, with valine, which is neutral and non-polar, at codon 5095 of the SYNE1 protein (p.Ala5095Val). In summary, the available evidence is currently insufficient to determine the role of this variant in disease. Therefore, it has been classified as a Variant of Uncertain Significance.